The following is an entry in ClinVar:

NM_198578.4(LRRK2):c.620T>A (p.Ile207Lys)

Gene: LRRK2 (leucine rich repeat kinase 2; plus strand). Cytogenetic location: 12q12.
Variant type: single nucleotide variant.
Coding change: c.620T>A on transcript NM_198578.4 (MANE Select); coding-DNA position 620, T replaced by A.
Protein change: p.Ile207Lys; replaces isoleucine 207 with lysine.
Molecular consequence: missense variant.
Genome position (GRCh38, 1-based): chr12:40,240,531, T>A. VCF-style: chr12-40240531-T-A. GRCh37 (hg19) VCF-style: chr12-40634333-T-A.
Other names: short protein forms I207K.
Identifiers: ClinVar variation 3540729 (VCV003540729.1).

ClinVar aggregate classification (germline): Uncertain significance (1 of 4 stars; one submission).

Conditions:
Inborn genetic diseases. Identifiers: MedGen C0950123, MeSH D030342.

Submission:

Ambry Genetics
Classification: Uncertain significance for Inborn genetic diseases. Last evaluated: 2024-10-13. Review status: criteria provided, single submitter. Criteria: Ambry Variant Classification Scheme 2023. Collection method: clinical testing. Allele origin: germline.
Comment: The p.I207K variant (also known as c.620T>A), located in coding exon 6 of the LRRK2 gene, results from a T to A substitution at nucleotide position 620. The isoleucine at codon 207 is replaced by lysine, an amino acid with dissimilar properties. This amino acid position is conserved. In addition, this alteration is predicted to be tolerated by in silico analysis. Based on the available evidence, the clinical significance of this variant remains unclear.